The following is an entry in ClinVar:

NM_014915.3(ANKRD26):c.64A>G (p.Ser22Gly)

Genes: ANKRD26 (ankyrin repeat domain 26; minus strand), LOC130003554 (ATAC-STARR-seq lymphoblastoid silent region 2243; plus strand). Cytogenetic location: 10p12.1.
Variant type: single nucleotide variant.
Coding change: c.64A>G on transcript NM_014915.3 (MANE Select); coding-DNA position 64, A replaced by G.
Protein change: p.Ser22Gly; replaces serine 22 with glycine.
Molecular consequence: missense variant.
Genome position (GRCh38, 1-based): chr10:27,100,263, T>C on the plus strand (A>G on the coding strand, the complement: ANKRD26 is on the minus strand). VCF-style: chr10-27100263-T-C. GRCh37 (hg19) VCF-style: chr10-27389192-T-C.
Other names: c.64A>G, p.Ser22Gly (NM_001256053.2); short protein forms S22G.
Identifiers: ClinVar variation 4860030 (VCV004860030.1).

ClinVar aggregate classification (germline): Uncertain significance (1 of 4 stars; one submission).

Conditions:
Inborn genetic diseases. Identifiers: MedGen C0950123, MeSH D030342.

Submission:

Ambry Genetics
Classification: Uncertain significance for Inborn genetic diseases. Last evaluated: 2026-06-12. Review status: criteria provided, single submitter. Criteria: Ambry Variant Classification Scheme 2023. Collection method: clinical testing. Allele origin: germline.
Comment: The p.S22G variant (also known as c.64A>G), located in coding exon 1 of the ANKRD26 gene, results from an A to G substitution at nucleotide position 64. The serine at codon 22 is replaced by glycine, an amino acid with similar properties. This amino acid position is conserved. In addition, this alteration is predicted to be tolerated by in silico analysis. Based on the available evidence, the clinical significance of this variant remains unclear.